The following is an entry in ClinVar:

NM_000268.4(NF2):c.1387G>A (p.Glu463Lys)

Gene: NF2 (NF2, moesin-ezrin-radixin like (MERLIN) tumor suppressor; plus strand). Cytogenetic location: 22q12.2.
Variant type: single nucleotide variant.
Coding change: c.1387G>A on transcript NM_000268.4 (MANE Select); coding-DNA position 1387, G replaced by A.
Protein change: p.Glu463Lys; replaces glutamic acid 463 with lysine.
Molecular consequence: missense variant. On other transcripts: non-coding transcript variant (1), intron variant (1).
Genome position (GRCh38, 1-based): chr22:29,674,882, G>A. VCF-style: chr22-29674882-G-A. GRCh37 (hg19) VCF-style: chr22-30070871-G-A.
Other names: c.1387G>A (NM_181832.2); c.1387G>A, p.Glu463Lys (NM_016418.5, NM_181825.3, NM_181832.3); c.1261G>A, p.Glu421Lys (NM_181828.3); c.1264G>A, p.Glu422Lys (NM_181829.3); c.1138G>A, p.Glu380Lys (NM_181830.3, NM_181831.3); c.448-19870G>A (NM_181833.3); short protein forms E463K, E380K, E421K, E422K.
Identifiers: ClinVar variation 237619 (VCV000237619.32), dbSNP rs74315503, ClinGen allele CA029905.

ClinVar aggregate classification (germline): Benign/Likely benign. Review status: criteria provided, multiple submitters, no conflicts (2 of 4 stars). 11 submissions from 11 submitters: Benign (2); Likely benign (8). 1 of the submissions does not count toward it. Last evaluated 2026-01-26.

Conditions:
NF2-related disorder. Also called: NF2-related condition.
Hereditary cancer-predisposing syndrome. Also called: Tumor predisposition; Hereditary Cancer Syndrome; Neoplastic Syndromes, Hereditary; Hereditary neoplastic syndrome. Identifiers: Orphanet 140162, MedGen C0027672, MeSH D009386, MONDO:0015356.
Neurofibromatosis, type 2 (SWNV). Also called: BILATERAL ACOUSTIC NEUROFIBROMATOSIS; NF2-Related Schwannomatosis; SCHWANNOMATOSIS, VESTIBULAR. Identifiers: Orphanet 637, MedGen C0027832, MONDO:0007039, OMIM 101000. Disease mechanism: loss of function.

Allele frequency attached by ClinVar (database versions not stated): TOPMed 0.00046; gnomAD exomes 0.00005 and 0.00010; 1000 Genomes Project 0.00020; 1000 Genomes Project 30x 0.00031; ExAC 0.00038; gnomAD 0.00042 and 0.00044.
gnomAD v4.1: 143 of 1,573,208 alleles (0.0091%); highest among the groups gnomAD compares: African/African-American, 0.13%; no homozygotes.

Submissions (11):

Labcorp Genetics (formerly Invitae), Labcorp
Classification: Likely benign for Neurofibromatosis, type 2. Last evaluated: 2026-01-26. Review status: criteria provided, single submitter. Criteria: Invitae Variant Classification Sherloc (09022015). Collection method: clinical testing. Allele origin: germline.

CeGaT Center for Human Genetics Tuebingen
Classification: Likely benign. Last evaluated: 2025-12-01. Review status: criteria provided, single submitter. Criteria: CeGaT Center For Human Genetics Tuebingen Variant Classification Criteria Version 2. Collection method: clinical testing. Allele origin: germline. Affected: yes. Observed: 1 variant allele.
Comment: NF2: BS1

Women's Health and Genetics/Laboratory Corporation of America, LabCorp
Classification: Likely benign. Last evaluated: 2025-10-20. Review status: criteria provided, single submitter. Criteria: LabCorp Variant Classification Summary - May 2015. Collection method: clinical testing. Allele origin: germline.

PreventionGenetics, part of Exact Sciences
Classification: Likely benign for NF2-related condition. Last evaluated: 2024-11-27. Review status: criteria provided, single submitter. Criteria: ACMG Guidelines, 2015. Collection method: clinical testing. Allele origin: germline.
Comment: This variant is classified as likely benign based on ACMG/AMP sequence variant interpretation guidelines (Richards et al. 2015 PMID: 25741868, with internal and published modifications).

Blueprint Genetics
Classification: Likely benign. Last evaluated: 2023-11-10. Review status: criteria provided, single submitter. Criteria: ACMG Guidelines, 2015. Collection method: clinical testing. Allele origin: germline.

Mendelics
Classification: Benign for Neurofibromatosis, type 2. Last evaluated: 2023-08-22. Review status: criteria provided, single submitter. Criteria: Mendelics Assertion Criteria 2019. Collection method: clinical testing. Allele origin: germline.

Color Diagnostics, LLC DBA Color Health
Classification: Likely benign for Neurofibromatosis, type 2. Last evaluated: 2023-03-03. Review status: criteria provided, single submitter. Criteria: ACMG Guidelines, 2015. Collection method: clinical testing. Allele origin: germline.

Sema4
Classification: Likely benign for Hereditary cancer-predisposing syndrome. Last evaluated: 2021-11-27. Review status: criteria provided, single submitter. Criteria: Sema4 Curation Guidelines. Collection method: curation. Allele origin: germline.

Genome-Nilou Lab
Classification: Benign for Neurofibromatosis, type 2. Last evaluated: 2021-11-07. Review status: criteria provided, single submitter. Criteria: ACMG Guidelines, 2015. Collection method: clinical testing. Allele origin: germline. Affected: no.

Ambry Genetics
Classification: Likely benign for Hereditary cancer-predisposing syndrome. Last evaluated: 2018-10-17. Review status: criteria provided, single submitter. Criteria: Ambry Variant Classification Scheme 2023. Collection method: clinical testing. Allele origin: germline.

Genetic Services Laboratory, University of Chicago
Classification: Likely benign. Last evaluated: 2022-05-12. Review status: no assertion criteria provided. Collection method: clinical testing. Allele origin: germline. Affected: no. Not counted in ClinVar's aggregate classification.